The following is an entry in ClinVar:

NM_000551.4(VHL):c.126G>C (p.Glu42Asp)

Gene: VHL (von Hippel-Lindau tumor suppressor; plus strand). Cytogenetic location: 3p25.3.
Variant type: single nucleotide variant.
Coding change: c.126G>C on transcript NM_000551.4 (MANE Select); coding-DNA position 126, G replaced by C.
Protein change: p.Glu42Asp; replaces glutamic acid 42 with aspartic acid.
Molecular consequence: missense variant. On other transcripts: non-coding transcript variant (1).
Genome position (GRCh38, 1-based): chr3:10,141,973, G>C. VCF-style: chr3-10141973-G-C. GRCh37 (hg19) VCF-style: chr3-10183657-G-C.
Other names: c.126G>C, p.Glu42Asp (NM_001354723.2, NM_198156.3); short protein forms E42D.
Identifiers: ClinVar variation 2451973 (VCV002451973.4), dbSNP rs2470157574, ClinGen allele CA351747990.

ClinVar aggregate classification (germline): Uncertain significance. Review status: criteria provided, multiple submitters, no conflicts (2 of 4 stars). 2 submissions from 2 submitters: Uncertain significance (2). Last evaluated 2024-04-01.

Conditions:
Chuvash polycythemia. Also called: POLYCYTHEMIA, VHL-DEPENDENT. Identifiers: Orphanet 238557, MedGen C1837915, MONDO:0009892, OMIM 263400.
Von Hippel-Lindau syndrome (VHLS). Also called: VHL syndrome; Von Hippel-Lindau; von Hippel–Lindau syndrome. Identifiers: Orphanet 892, MedGen C0019562, MONDO:0008667, OMIM 193300. Disease mechanism: loss of function.
Hereditary cancer-predisposing syndrome. Also called: Hereditary neoplastic syndrome; Tumor predisposition; Neoplastic Syndromes, Hereditary; Hereditary Cancer Syndrome. Identifiers: Orphanet 140162, MedGen C0027672, MeSH D009386, MONDO:0015356.

Allele frequency attached by ClinVar (database versions not stated): gnomAD exomes below 0.00001.
gnomAD v4.1: 2 of 1,559,536 alleles (0.00013%); highest among the groups gnomAD compares: East Asian, 0.0024%; no homozygotes.

Submissions (2):

Labcorp Genetics (formerly Invitae), Labcorp
Classification: Uncertain significance for Von Hippel-Lindau syndrome; Chuvash polycythemia. Last evaluated: 2024-04-01. Review status: criteria provided, single submitter. Criteria: Invitae Variant Classification Sherloc (09022015). Collection method: clinical testing. Allele origin: germline.
Comment: This sequence change replaces glutamic acid, which is acidic and polar, with aspartic acid, which is acidic and polar, at codon 42 of the VHL protein (p.Glu42Asp). This variant is not present in population databases (gnomAD no frequency). This variant has not been reported in the literature in individuals affected with VHL-related conditions. ClinVar contains an entry for this variant (Variation ID: 2451973). Advanced modeling of protein sequence and biophysical properties (such as structural, functional, and spatial information, amino acid conservation, physicochemical variation, residue mobility, and thermodynamic stability) performed at Invitae indicates that this missense variant is not expected to disrupt VHL protein function with a negative predictive value of 95%. In summary, the available evidence is currently insufficient to determine the role of this variant in disease. Therefore, it has been classified as a Variant of Uncertain Significance.

Ambry Genetics
Classification: Uncertain significance for Hereditary cancer-predisposing syndrome. Last evaluated: 2022-12-21. Review status: criteria provided, single submitter. Criteria: Ambry Variant Classification Scheme 2023. Collection method: clinical testing. Allele origin: germline.
Comment: The p.E42D variant (also known as c.126G>C), located in coding exon 1 of the VHL gene, results from a G to C substitution at nucleotide position 126. The glutamic acid at codon 42 is replaced by aspartic acid, an amino acid with highly similar properties. This amino acid position is not well conserved in available vertebrate species. In addition, this alteration is predicted to be tolerated by in silico analysis. Since supporting evidence is limited at this time, the clinical significance of this alteration remains unclear.